The following is an entry in ClinVar:

ClinVar aggregate classification (germline): Benign/Likely benign. Review status: criteria provided, multiple submitters, no conflicts (2 of 4 stars). 11 submissions from 11 submitters: Benign (5); Likely benign (2). 4 of the submissions do not count toward it. Last evaluated 2026-05-01.

Conditions:
CXCR4-related disorder. Also called: CXCR4-related condition.
Warts, hypogammaglobulinemia, infections, and myelokathexis. Also called: WHIM syndrome. Identifiers: MedGen C0472817, MONDO:0023880.

Allele frequency attached by ClinVar (database versions not stated): 1000 Genomes Project 30x 0.00156; 1000 Genomes Project 0.00160; gnomAD 0.00242 and 0.00246; TOPMed 0.00251; ExAC 0.00265; gnomAD exomes 0.00274 and 0.00376; ESP Exome Variant Server 0.00331.
gnomAD v4.1: 5,786 of 1,614,192 alleles (0.36%); highest among the groups gnomAD compares: Non-Finnish European, 0.42%; 14 homozygotes.

Submissions (11):

CeGaT Center for Human Genetics Tuebingen
Classification: Likely benign. Last evaluated: 2026-05-01. Review status: criteria provided, single submitter. Criteria: CeGaT Center For Human Genetics Tuebingen Variant Classification Criteria Version 2. Collection method: clinical testing. Allele origin: germline. Affected: yes. Observed: 6 variant alleles.
Comment: CXCR4: BP4, BP7, BS2

Labcorp Genetics (formerly Invitae), Labcorp
Classification: Benign for Warts, hypogammaglobulinemia, infections, and myelokathexis. Last evaluated: 2026-02-01. Review status: criteria provided, single submitter. Criteria: Invitae Variant Classification Sherloc (09022015). Collection method: clinical testing. Allele origin: germline.

ARUP Laboratories, Molecular Genetics and Genomics, ARUP Laboratories
Classification: Benign. Last evaluated: 2025-05-15. Review status: criteria provided, single submitter. Criteria: ARUP Molecular Germline Variant Investigation Process 2024. Collection method: clinical testing. Allele origin: germline.

Mayo Clinic Laboratories, Mayo Clinic
Classification: Benign. Last evaluated: 2025-01-27. Review status: criteria provided, single submitter. Criteria: ACMG Guidelines, 2015. Collection method: clinical testing. Allele origin: germline. Observed: 13 variant alleles.
Comment: BS1, BS2, BP4, BP7

Blueprint Genetics
Classification: Likely benign. Last evaluated: 2024-11-20. Review status: criteria provided, single submitter. Criteria: ACMG Guidelines, 2015. Collection method: clinical testing. Allele origin: germline.

Genetic Services Laboratory, University of Chicago
Classification: Benign. Last evaluated: 2018-02-15. Review status: criteria provided, single submitter. Criteria: ACMG Guidelines, 2015. Collection method: clinical testing. Allele origin: germline. Affected: no.

Breakthrough Genomics
Classification: Benign. Review status: criteria provided, single submitter. Criteria: ACMG Guidelines, 2015. Collection method: not provided. Allele origin: germline. Inheritance: Autosomal dominant inheritance. Affected: yes.

PreventionGenetics, part of Exact Sciences
Classification: Likely benign for CXCR4-related condition. Last evaluated: 2019-09-06. Review status: no assertion criteria provided. Collection method: clinical testing. Allele origin: germline. Not counted in ClinVar's aggregate classification.
Comment: This variant is classified as likely benign based on ACMG/AMP sequence variant interpretation guidelines (Richards et al. 2015 PMID: 25741868, with internal and published modifications).

Clinical Genetics DNA and cytogenetics Diagnostics Lab, Erasmus MC, Erasmus Medical Center
Classification: Likely benign. Review status: no assertion criteria provided. Collection method: clinical testing. Allele origin: germline. Affected: yes. Study: VKGL Data-share Consensus. Not counted in ClinVar's aggregate classification.

Genome Diagnostics Laboratory, University Medical Center Utrecht
Classification: Likely benign. Review status: no assertion criteria provided. Collection method: clinical testing. Allele origin: germline. Affected: yes. Study: VKGL Data-share Consensus. Not counted in ClinVar's aggregate classification.

Laboratory of Diagnostic Genome Analysis, Leiden University Medical Center (LUMC)
Classification: Benign. Review status: no assertion criteria provided. Collection method: clinical testing. Allele origin: germline. Affected: yes. Study: VKGL Data-share Consensus. Not counted in ClinVar's aggregate classification.

Literature cited by the submitters: PubMed 27005825 (cited by Mayo Clinic Laboratories, Mayo Clinic).

NM_003467.3(CXCR4):c.783C>T (p.Ile261=)

Gene: CXCR4 (C-X-C motif chemokine receptor 4; minus strand). Cytogenetic location: 2q22.1.
Variant type: single nucleotide variant.
Coding change: c.783C>T on transcript NM_003467.3 (MANE Select); coding-DNA position 783, C replaced by T.
Protein change: p.Ile261=; no amino-acid change (isoleucine 261 retained).
Molecular consequence: synonymous variant.
Genome position (GRCh38, 1-based): chr2:136,115,145, G>A on the plus strand (C>T on the coding strand, the complement: CXCR4 is on the minus strand). VCF-style: chr2-136115145-G-A. GRCh37 (hg19) VCF-style: chr2-136872715-G-A.
Other names: p.Ile261=; c.795C>T, p.Ile265= (NM_001008540.2); c.996C>T, p.Ile332= (NM_001348056.2); c.882C>T, p.Ile294= (NM_001348059.2); c.738C>T, p.Ile246= (NM_001348060.2).
Identifiers: ClinVar variation 434875 (VCV000434875.54), dbSNP rs148279552, ClinGen allele CA1890075.